The following is an entry in ClinVar:

NM_003482.4(KMT2D):c.16438_16441del (p.Asn5480fs)

Gene: KMT2D (lysine methyltransferase 2D; minus strand). Cytogenetic location: 12q13.12.
Variant type: Deletion.
Coding change: c.16438_16441del on transcript NM_003482.4 (MANE Select); coding-DNA positions 16438 to 16441, 4 bases deleted (AACT; older notation c.16438_16441delAACT).
Protein change: p.Asn5480fs; shifts the reading frame from asparagine 5480.
Molecular consequence: frameshift variant.
Genome position (GRCh38, 1-based): chr12:49,022,123-49,022,126, AGTT deleted on the plus strand (AACT on the coding strand, the reverse complement: KMT2D is on the minus strand); deleting any 4 consecutive bases within chr12:49,022,123-49,022,128 gives the same sequence; the c. name uses the placement nearest the transcript's 3' end. VCF-style (leftmost placement, unchanged base first): chr12-49022122-CAGTT-C. GRCh37 (hg19) VCF-style: chr12-49415905-CAGTT-C.
Other names: c.16438_16441delAACT (NM_003482.3).
Identifiers: ClinVar variation 158744 (VCV000158744.42), dbSNP rs587783703, ClinGen allele CA271615.

ClinVar aggregate classification (germline): Pathogenic. Review status: criteria provided, multiple submitters, no conflicts (2 of 4 stars). 7 submissions from 7 submitters: Pathogenic (6). 1 of the submissions does not count toward it. Last evaluated 2025-01-14.

Conditions:
Kabuki syndrome. Also called: Kabuki make-up syndrome; NIIKAWA-KUROKI SYNDROME. Identifiers: Orphanet 2322, MedGen C0796004, MONDO:0016512.
Kabuki syndrome 1 (KABUK1). Also called: KMT2D-Related Kabuki Syndrome. Identifiers: Orphanet 2322, MedGen CN030661, MONDO:0007843, OMIM 147920.

Submissions (7):

GeneDx
Classification: Pathogenic. Last evaluated: 2025-01-14. Review status: criteria provided, single submitter. Criteria: GeneDx Variant Classification Process June 2021. Collection method: clinical testing. Allele origin: germline. Affected: yes.
Comment: Frameshift variant predicted to result in protein truncation or nonsense mediated decay in a gene for which loss of function is a known mechanism of disease; Not observed at significant frequency in large population cohorts (gnomAD); This variant is associated with the following publications: (PMID: 36097644, 35904121, 21671394, 22126750)

CeGaT Center for Human Genetics Tuebingen
Classification: Pathogenic. Last evaluated: 2024-05-01. Review status: criteria provided, single submitter. Criteria: CeGaT Center For Human Genetics Tuebingen Variant Classification Criteria Version 2. Collection method: clinical testing. Allele origin: germline. Affected: yes. Observed: 1 variant allele.
Comment: KMT2D: PVS1, PM2, PS2:Moderate, PS4:Supporting

Labcorp Genetics (formerly Invitae), Labcorp
Classification: Pathogenic for Kabuki syndrome. Last evaluated: 2019-10-23. Review status: criteria provided, single submitter. Criteria: Invitae Variant Classification Sherloc (09022015). Collection method: clinical testing. Allele origin: germline.
Comment: For these reasons, this variant has been classified as Pathogenic. Loss-of-function variants in KMT2D are known to be pathogenic (PMID: 22126750). This sequence change creates a premature translational stop signal (p.Asn5480Valfs*6) in the KMT2D gene. It is expected to result in an absent or disrupted protein product. This variant is not present in population databases (ExAC no frequency). This variant has been observed in an individual affected with Kabuki syndrome (PMID: 21671394). ClinVar contains an entry for this variant (Variation ID: 158744).

Center for Human Genetics, Inc
Classification: Pathogenic for Kabuki syndrome 1. Last evaluated: 2016-11-01. Review status: criteria provided, single submitter. Criteria: ACMG Guidelines, 2015. Collection method: clinical testing. Allele origin: germline. Affected: yes.

Eurofins Ntd Llc (ga)
Classification: Pathogenic. Last evaluated: 2015-02-05. Review status: criteria provided, single submitter. Criteria: EGL Classification Definitions 2015. Collection method: clinical testing. Allele origin: germline. Observed: 1 variant allele, 1 heterozygote.

Genetic Services Laboratory, University of Chicago
Classification: Pathogenic for Kabuki syndrome 1. Last evaluated: 2013-12-02. Review status: criteria provided, single submitter. Criteria: ACMG Guidelines, 2007. Collection method: clinical testing. Allele origin: germline. Inheritance: Autosomal dominant inheritance. Affected: yes.

Autoinflammatory diseases unit, CHU de Montpellier
Classification: Pathogenic for Kabuki syndrome 1. Last evaluated: 2018-06-22. Review status: no assertion criteria provided. Collection method: clinical testing. Allele origin: de novo. Affected: yes. Not counted in ClinVar's aggregate classification.

Literature cited by the submitters: PubMed 22126750 (cited by Labcorp Genetics (formerly Invitae), Labcorp); PubMed 21671394 (cited by 3 submitters).